The following is an entry in ClinVar:

ClinVar aggregate classification (germline): Conflicting classifications of pathogenicity. Review status: criteria provided, conflicting classifications (1 of 4 stars). 2 submissions from 2 submitters: Uncertain significance (1); Likely benign (1). Last evaluated 2026-01-12.

Conditions:
Focal segmental glomerulosclerosis 8 (FSGS8). Identifiers: Orphanet 656, MedGen C4014993, MONDO:0014462, OMIM 616032.

Allele frequency attached by ClinVar (database versions not stated): ExAC 0.00007; gnomAD exomes 0.00010 and 0.00019; TOPMed 0.00011; gnomAD 0.00017 and 0.00019; ESP Exome Variant Server 0.00031.
gnomAD v4.1: 306 of 1,613,166 alleles (0.019%); highest among the groups gnomAD compares: Non-Finnish European, 0.025%; no homozygotes.

Submissions (2):

Labcorp Genetics (formerly Invitae), Labcorp
Classification: Uncertain significance. Last evaluated: 2026-01-12. Review status: criteria provided, single submitter. Criteria: Invitae Variant Classification Sherloc (09022015). Collection method: clinical testing. Allele origin: germline.
Comment: This sequence change replaces serine, which is neutral and polar, with arginine, which is basic and polar, at codon 795 of the ANLN protein (p.Ser795Arg). This variant is present in population databases (rs148319769, gnomAD 0.02%). This variant has not been reported in the literature in individuals affected with ANLN-related conditions. ClinVar contains an entry for this variant (Variation ID: 693991). Invitae Evidence Modeling of protein sequence and biophysical properties (such as structural, functional, and spatial information, amino acid conservation, physicochemical variation, residue mobility, and thermodynamic stability) indicates that this missense variant is not expected to disrupt ANLN protein function with a negative predictive value of 80%. In summary, the available evidence is currently insufficient to determine the role of this variant in disease. Therefore, it has been classified as a Variant of Uncertain Significance.

Johns Hopkins Genomics, Johns Hopkins University
Classification: Likely benign for Focal segmental glomerulosclerosis 8. Last evaluated: 2019-08-25. Review status: criteria provided, single submitter. Criteria: ACMG Guidelines, 2015. Collection method: clinical testing. Allele origin: germline.

NM_018685.5(ANLN):c.2385T>A (p.Ser795Arg)

Gene: ANLN (anillin, actin binding protein; plus strand). Cytogenetic location: 7p14.2.
Variant type: single nucleotide variant.
Coding change: c.2385T>A on transcript NM_018685.5 (MANE Select); coding-DNA position 2385, T replaced by A.
Protein change: p.Ser795Arg; replaces serine 795 with arginine.
Molecular consequence: missense variant.
Genome position (GRCh38, 1-based): chr7:36,422,718, T>A. VCF-style: chr7-36422718-T-A. GRCh37 (hg19) VCF-style: chr7-36462327-T-A.
Other names: c.2274T>A, p.Ser758Arg (NM_001284301.3); c.2271T>A, p.Ser757Arg (NM_001284302.3); short protein forms S757R, S795R, S758R.
Identifiers: ClinVar variation 693991 (VCV000693991.5), dbSNP rs148319769, ClinGen allele CA4219852.